The following is an entry in ClinVar:

NM_004360.5(CDH1):c.2252A>G (p.Asn751Ser)

Gene: CDH1 (cadherin 1; plus strand). Cytogenetic location: 16q22.1.
Variant type: single nucleotide variant.
Coding change: c.2252A>G on transcript NM_004360.5 (MANE Select); coding-DNA position 2252, A replaced by G.
Protein change: p.Asn751Ser; replaces asparagine 751 with serine.
Molecular consequence: missense variant.
Genome position (GRCh38, 1-based): chr16:68,828,261, A>G. VCF-style: chr16-68828261-A-G. GRCh37 (hg19) VCF-style: chr16-68862164-A-G.
Other names: c.2069A>G, p.Asn690Ser (NM_001317184.2); c.704A>G, p.Asn235Ser (NM_001317185.2); c.287A>G, p.Asn96Ser (NM_001317186.2); short protein forms N96S, N235S, N690S, N751S.
Identifiers: ClinVar variation 2567611 (VCV002567611.3), dbSNP rs2152141516, ClinGen allele CA396469876.

ClinVar aggregate classification (germline): Uncertain significance. Review status: criteria provided, multiple submitters, no conflicts (2 of 4 stars). 2 submissions from 2 submitters: Uncertain significance (2). Last evaluated 2023-11-12.

Conditions:
Hereditary cancer-predisposing syndrome. Also called: Hereditary neoplastic syndrome; Hereditary Cancer Syndrome; Neoplastic Syndromes, Hereditary; Tumor predisposition. Identifiers: Orphanet 140162, MedGen C0027672, MeSH D009386, MONDO:0015356.
Familial cancer of breast. Also called: hereditary breast carcinoma; Hereditary breast cancer; BREAST CANCER, FAMILIAL. Identifiers: Orphanet 227535, MedGen C0346153, MONDO:0016419, OMIM 114480. Disease mechanism: loss of function.

Submissions (2):

Baylor Genetics
Classification: Uncertain significance for Familial cancer of breast. Last evaluated: 2023-11-12. Review status: criteria provided, single submitter. Criteria: ACMG Guidelines, 2015. Collection method: clinical testing. Allele origin: unknown.

Ambry Genetics
Classification: Uncertain significance for Hereditary cancer-predisposing syndrome. Last evaluated: 2023-04-22. Review status: criteria provided, single submitter. Criteria: Ambry Variant Classification Scheme 2023. Collection method: clinical testing. Allele origin: germline.
Comment: The p.N751S variant (also known as c.2252A>G), located in coding exon 14 of the CDH1 gene, results from an A to G substitution at nucleotide position 2252. The asparagine at codon 751 is replaced by serine, an amino acid with highly similar properties. This amino acid position is conserved. In addition, the in silico prediction for this alteration is inconclusive. Since supporting evidence is limited at this time, the clinical significance of this alteration remains unclear.